The following is an entry in ClinVar:

ClinVar aggregate classification (germline): Uncertain significance. Review status: criteria provided, multiple submitters, no conflicts (2 of 4 stars). 2 submissions from 2 submitters: Uncertain significance (2). Last evaluated 2025-05-01.

Allele frequency attached by ClinVar (database versions not stated): gnomAD exomes below 0.00001.

Submissions (2):

Ambry Genetics
Classification: Uncertain significance. Last evaluated: 2025-05-01. Review status: criteria provided, single submitter. Criteria: Ambry Variant Classification Scheme 2023. Collection method: clinical testing. Allele origin: germline.

Labcorp Genetics (formerly Invitae), Labcorp
Classification: Uncertain significance. Last evaluated: 2022-11-01. Review status: criteria provided, single submitter. Criteria: Invitae Variant Classification Sherloc (09022015). Collection method: clinical testing. Allele origin: germline.
Comment: In summary, the available evidence is currently insufficient to determine the role of this variant in disease. Therefore, it has been classified as a Variant of Uncertain Significance. Advanced modeling of protein sequence and biophysical properties (such as structural, functional, and spatial information, amino acid conservation, physicochemical variation, residue mobility, and thermodynamic stability) performed at Invitae indicates that this missense variant is not expected to disrupt ROM1 protein function. ClinVar contains an entry for this variant (Variation ID: 1406716). This variant has not been reported in the literature in individuals affected with ROM1-related conditions. The frequency data for this variant in the population databases is considered unreliable, as metrics indicate poor data quality at this position in the gnomAD database. This sequence change replaces glycine, which is neutral and non-polar, with tryptophan, which is neutral and slightly polar, at codon 151 of the ROM1 protein (p.Gly151Trp).

NM_000327.4(ROM1):c.451G>T (p.Gly151Trp)

Gene: ROM1 (retinal outer segment membrane protein 1; plus strand). Cytogenetic location: 11q12.3.
Variant type: single nucleotide variant.
Coding change: c.451G>T on transcript NM_000327.4 (MANE Select); coding-DNA position 451, G replaced by T.
Protein change: p.Gly151Trp; replaces glycine 151 with tryptophan.
Molecular consequence: missense variant.
Genome position (GRCh38, 1-based): chr11:62,613,732, G>T. VCF-style: chr11-62613732-G-T. GRCh37 (hg19) VCF-style: chr11-62381204-G-T.
Other names: c.451G>T (NM_000327.3); short protein forms G151W.
Identifiers: ClinVar variation 1406716 (VCV001406716.9), dbSNP rs1475533481, ClinGen allele CA380969854.